The following is an entry in ClinVar:

NM_000878.5(IL2RB):c.225G>C (p.Glu75Asp)

Gene: IL2RB (interleukin 2 receptor subunit beta; minus strand). Cytogenetic location: 22q12.3.
Variant type: single nucleotide variant.
Coding change: c.225G>C on transcript NM_000878.5 (MANE Select); coding-DNA position 225, G replaced by C.
Protein change: p.Glu75Asp; replaces glutamic acid 75 with aspartic acid.
Molecular consequence: missense variant.
Genome position (GRCh38, 1-based): chr22:37,142,491, C>G on the plus strand (G>C on the coding strand, the complement: IL2RB is on the minus strand). VCF-style: chr22-37142491-C-G. GRCh37 (hg19) VCF-style: chr22-37538531-C-G.
Other names: c.225G>C, p.Glu75Asp (NM_001346222.1, NM_001346223.2); short protein forms E75D.
Identifiers: ClinVar variation 1953451 (VCV001953451.4), dbSNP rs113714217, ClinGen allele CA324055134.

ClinVar aggregate classification (germline): Uncertain significance. Review status: criteria provided, multiple submitters, no conflicts (2 of 4 stars). 2 submissions from 2 submitters: Uncertain significance (2). Last evaluated 2024-02-24.

Allele frequency attached by ClinVar (database versions not stated): gnomAD exomes 0.00001; gnomAD 0.00003; 1000 Genomes Project 30x 0.00016; 1000 Genomes Project 0.00020.
gnomAD v4.1: 23 of 1,614,180 alleles (0.0014%); highest among the groups gnomAD compares: African/African-American, 0.019%; no homozygotes.

Submissions (2):

Labcorp Genetics (formerly Invitae), Labcorp
Classification: Uncertain significance. Last evaluated: 2024-02-24. Review status: criteria provided, single submitter. Criteria: Invitae Variant Classification Sherloc (09022015). Collection method: clinical testing. Allele origin: germline.
Comment: This sequence change replaces glutamic acid, which is acidic and polar, with aspartic acid, which is acidic and polar, at codon 75 of the IL2RB protein (p.Glu75Asp). This variant is present in population databases (rs113714217, gnomAD 0.007%). This variant has not been reported in the literature in individuals affected with IL2RB-related conditions. ClinVar contains an entry for this variant (Variation ID: 1953451). Algorithms developed to predict the effect of missense changes on protein structure and function output the following: SIFT: "Not Available"; PolyPhen-2: "Benign"; Align-GVGD: "Not Available". The aspartic acid amino acid residue is found in multiple mammalian species, which suggests that this missense change does not adversely affect protein function. In summary, the available evidence is currently insufficient to determine the role of this variant in disease. Therefore, it has been classified as a Variant of Uncertain Significance.

Ambry Genetics
Classification: Uncertain significance. Last evaluated: 2022-08-16. Review status: criteria provided, single submitter. Criteria: Ambry Variant Classification Scheme 2023. Collection method: clinical testing. Allele origin: germline.